The following is an entry in ClinVar:

ClinVar aggregate classification (germline): Pathogenic (1 of 4 stars; one submission).

Conditions:
Pyruvate carboxylase deficiency. Also called: LEIGH NECROTIZING ENCEPHALOPATHY DUE TO PYRUVATE CARBOXYLASE DEFICIENCY; LEIGH SYNDROME DUE TO PYRUVATE CARBOXYLASE DEFICIENCY; PC DEFICIENCY; ATAXIA WITH LACTIC ACIDOSIS II; Pyruvate Carboxylase Deficiency Disease. Identifiers: Orphanet 3008, MedGen C0034341, MONDO:0009949, OMIM 266150.

Allele frequency attached by ClinVar (database versions not stated): TOPMed 0.00002.

Submission:

Baylor Genetics
Classification: Pathogenic for Pyruvate carboxylase deficiency. Last evaluated: 2020-09-03. Review status: criteria provided, single submitter. Criteria: ACMG Guidelines, 2015. Collection method: clinical testing. Allele origin: unknown. Affected: yes.
Comment: This variant was determined to be pathogenic according to ACMG Guidelines, 2015 [PMID:25741868].

NM_001040716.2(PC):c.1368+3605C>A

Genes: LRFN4 (leucine rich repeat and fibronectin type III domain containing 4; plus strand), PC (pyruvate carboxylase; minus strand). Cytogenetic location: 11q13.2.
Variant type: single nucleotide variant.
Coding change: c.1368+3605C>A on transcript NM_001040716.2 (MANE Select); 3605 bases into the intron after coding-DNA position 1368, C replaced by A.
Molecular consequence: intron variant. On other transcripts: nonsense (2).
Genome position (GRCh38, 1-based): chr11:66,860,169, G>T on the plus strand (C>A on the coding strand, the complement: PC is on the minus strand). VCF-style: chr11-66860169-G-T. GRCh37 (hg19) VCF-style: chr11-66627640-G-T.
Other names: c.1882G>T, p.Glu628Ter (NM_001363524.2, NM_024036.5); c.1368+3605C>A (NM_000920.4, NM_022172.3); short protein forms E628*.
Identifiers: ClinVar variation 1030920 (VCV001030920.2), dbSNP rs1230803568, ClinGen allele CA381495513.
Genomic context (GRCh38, chr11:66,860,169, plus strand): 5'-AGCCACTCTGTGCATGGGGGGCTGCTCGGGGCAGGGTGCCGGGGGGTAGGAGGCAGCGCC[G>T]AGCGGCTGGAAGAGAGTGTGGTGTGATGGACGGGCAGCTTCCTGTGTGCTCCAAGGGATG-3'